The following is an entry in ClinVar:

NM_004393.6(DAG1):c.1067C>T (p.Pro356Leu)

Gene: DAG1 (dystroglycan 1; plus strand). Cytogenetic location: 3p21.31.
Variant type: single nucleotide variant.
Coding change: c.1067C>T on transcript NM_004393.6 (MANE Select); coding-DNA position 1067, C replaced by T.
Protein change: p.Pro356Leu; replaces proline 356 with leucine.
Molecular consequence: missense variant.
Genome position (GRCh38, 1-based): chr3:49,531,578, C>T. VCF-style: chr3-49531578-C-T. GRCh37 (hg19) VCF-style: chr3-49569011-C-T.
Other names: c.1067C>T, p.Pro356Leu (NM_001165928.4, NM_001177634.3, NM_001177635.3 and 9 more transcripts); short protein forms P356L.
Identifiers: ClinVar variation 1365466 (VCV001365466.8), dbSNP rs757225645, ClinGen allele CA2399007.

ClinVar aggregate classification (germline): Uncertain significance (1 of 4 stars; one submission).

Conditions:
Muscular dystrophy-dystroglycanopathy (congenital with brain and eye anomalies), type A9. Also called: WALKER-WARBURG SYNDROME OR MUSCLE-EYE BRAIN DISEASE, DAG1-RELATED; Muscular dystrophy-dystroglycanopathy (congenital with brain and eye anomalies), type a, 9. Identifiers: Orphanet 370997, Orphanet 899, MedGen C4225291, MONDO:0014683, OMIM 616538.
Autosomal recessive limb-girdle muscular dystrophy type 2P. Also called: MUSCULAR DYSTROPHY-DYSTROGLYCANOPATHY, LIMB-GIRDLE, DAG1-RELATED; Limb-Girdle Muscular Dystrophy Type 9C; MUSCULAR DYSTROPHY, LIMB-GIRDLE, TYPE 2P. Identifiers: Orphanet 280333, MedGen C4511963, MONDO:0013440, OMIM 613818.

Allele frequency attached by ClinVar (database versions not stated): ExAC 0.00001; gnomAD exomes 0.00001.

Submission:

Labcorp Genetics (formerly Invitae), Labcorp
Classification: Uncertain significance for Autosomal recessive limb-girdle muscular dystrophy type 2P; Muscular dystrophy-dystroglycanopathy (congenital with brain and eye anomalies), type A9. Last evaluated: 2021-07-03. Review status: criteria provided, single submitter. Criteria: Invitae Variant Classification Sherloc (09022015). Collection method: clinical testing. Allele origin: germline.
Comment: This sequence change replaces proline with leucine at codon 356 of the DAG1 protein (p.Pro356Leu). The proline residue is moderately conserved and there is a moderate physicochemical difference between proline and leucine. This variant is present in population databases (rs757225645, ExAC 0.002%). This variant has not been reported in the literature in individuals affected with DAG1-related conditions. Algorithms developed to predict the effect of missense changes on protein structure and function are either unavailable or do not agree on the potential impact of this missense change (SIFT: "Deleterious"; PolyPhen-2: "Probably Damaging"; Align-GVGD: "Class C0"). In summary, the available evidence is currently insufficient to determine the role of this variant in disease. Therefore, it has been classified as a Variant of Uncertain Significance.